The following is an entry in ClinVar:

NM_001278.5(CHUK):c.2006C>G (p.Ser669Cys)

Gene: CHUK (component of inhibitor of nuclear factor kappa B kinase complex; minus strand). Cytogenetic location: 10q24.31.
Variant type: single nucleotide variant.
Coding change: c.2006C>G on transcript NM_001278.5 (MANE Select); coding-DNA position 2006, C replaced by G.
Protein change: p.Ser669Cys; replaces serine 669 with cysteine.
Molecular consequence: missense variant.
Genome position (GRCh38, 1-based): chr10:100,193,400, G>C on the plus strand (C>G on the coding strand, the complement: CHUK is on the minus strand). VCF-style: chr10-100193400-G-C. GRCh37 (hg19) VCF-style: chr10-101953157-G-C.
Other names: c.2006C>G, p.Ser669Cys (NM_001320928.2); short protein forms S669C.
Identifiers: ClinVar variation 1392951 (VCV001392951.5), dbSNP rs147094701, ClinGen allele CA5646286.

ClinVar aggregate classification (germline): Uncertain significance (1 of 4 stars; one submission).

Allele frequency attached by ClinVar (database versions not stated): ExAC 0.00001; gnomAD exomes 0.00001; gnomAD 0.00002; TOPMed 0.00002; ESP Exome Variant Server 0.00015.
gnomAD v4.1: 22 of 1,613,918 alleles (0.0014%); highest among the groups gnomAD compares: Non-Finnish European, 0.0019%; no homozygotes.

Submission:

Labcorp Genetics (formerly Invitae), Labcorp
Classification: Uncertain significance. Last evaluated: 2022-07-26. Review status: criteria provided, single submitter. Criteria: Invitae Variant Classification Sherloc (09022015). Collection method: clinical testing. Allele origin: germline.
Comment: This sequence change replaces serine, which is neutral and polar, with cysteine, which is neutral and slightly polar, at codon 669 of the CHUK protein (p.Ser669Cys). This variant is present in population databases (rs147094701, gnomAD 0.002%). This variant has not been reported in the literature in individuals affected with CHUK-related conditions. ClinVar contains an entry for this variant (Variation ID: 1392951). Algorithms developed to predict the effect of missense changes on protein structure and function are either unavailable or do not agree on the potential impact of this missense change (SIFT: "Not Available"; PolyPhen-2: "Possibly Damaging"; Align-GVGD: "Not Available"). In summary, the available evidence is currently insufficient to determine the role of this variant in disease. Therefore, it has been classified as a Variant of Uncertain Significance.